The following is an entry in ClinVar:

ClinVar aggregate classification (germline): Likely pathogenic (1 of 4 stars; one submission).

Conditions:
Carcinoma of esophagus. Also called: Oesophageal carcinoma; Esophageal carcinoma. Identifiers: Orphanet 70482, MedGen C0152018, MONDO:0019086, HP:0011459.

Submission:

Department of Genomics, ADN Uruguay
Classification: Likely pathogenic for Carcinoma of esophagus. Last evaluated: 2024-06-27. Review status: criteria provided, single submitter. Criteria: Assertion Criteria Germline. Collection method: clinical testing. Allele origin: germline. Inheritance: Autosomal dominant inheritance. Affected: yes. Observed: 1 variant allele.
Comment: Deletion of exons 5–10 of MSR1 (GRCh38 chr8:16107881–16164251, approximate coordinates) removes multiple coding exons and is predicted to cause loss of normal protein function (PVS1). The deletion is absent from population databases (PM2) and no well-established conflicting benign evidence is present. Exact breakpoints were not determined by the assay; coordinates are based on the ENST00000262101 / NM_138715.3 transcript. Classified as Likely pathogenic according to ACMG/AMP criteria (PVS1, PM2). Comment: “multi-exon deletion; breakpoints imprecise.”

NM_138715.3:c.688_1356del

Gene: MSR1 (macrophage scavenger receptor 1; minus strand).
Variant type: Deletion.
Other names: c.688_1356del (NM_138715.3).
Identifiers: ClinVar variation 4526863 (VCV004526863.1).